The following is an entry in ClinVar:

NM_001256071.3(RNF213):c.8968A>G (p.Lys2990Glu)

Gene: RNF213 (ring finger protein 213; plus strand). Cytogenetic location: 17q25.3.
Variant type: single nucleotide variant.
Coding change: c.8968A>G on transcript NM_001256071.3 (MANE Select); coding-DNA position 8968, A replaced by G.
Protein change: p.Lys2990Glu; replaces lysine 2990 with glutamic acid.
Molecular consequence: missense variant.
Genome position (GRCh38, 1-based): chr17:80,347,303, A>G. VCF-style: chr17-80347303-A-G. GRCh37 (hg19) VCF-style: chr17-78321103-A-G.
Other names: p.Lys2990Glu; c.9115A>G, p.Lys3039Glu (NM_001410195.1, NM_020914.5); short protein forms K3039E, K2990E.
Identifiers: ClinVar variation 4542236 (VCV004542236.1).

ClinVar aggregate classification (germline): Uncertain significance (1 of 4 stars; one submission).

Submission:

Mayo Clinic Laboratories, Mayo Clinic
Classification: Uncertain significance. Last evaluated: 2025-10-24. Review status: criteria provided, single submitter. Criteria: ACMG Guidelines, 2015. Collection method: clinical testing. Allele origin: germline. Observed: 1 variant allele.
Comment: BP4_moderate, PM2_supporting